The following is an entry in ClinVar:

ClinVar aggregate classification (germline): Pathogenic (1 of 4 stars; one submission).

Submission:

Labcorp Genetics (formerly Invitae), Labcorp
Classification: Pathogenic. Last evaluated: 2022-05-12. Review status: criteria provided, single submitter. Criteria: Invitae Variant Classification Sherloc (09022015). Collection method: clinical testing. Allele origin: germline.
Comment: For these reasons, this variant has been classified as Pathogenic. ClinVar contains an entry for this variant (Variation ID: 942036). This variant has not been reported in the literature in individuals affected with POLE-related conditions. This variant is not present in population databases (gnomAD no frequency). This sequence change creates a premature translational stop signal (p.Ala1586Valfs*8) in the POLE gene. It is expected to result in an absent or disrupted protein product. Loss-of-function variants in POLE are known to be pathogenic (PMID: 23230001, 25948378, 30503519).

Literature cited by the submitters: PubMed 23230001; PubMed 25948378; PubMed 30503519.

NM_006231.4(POLE):c.4757del (p.Ala1586fs)

Gene: POLE (DNA polymerase epsilon, catalytic subunit; minus strand). Cytogenetic location: 12q24.33.
Variant type: Deletion.
Coding change: c.4757del on transcript NM_006231.4 (MANE Select); coding-DNA position 4757, one base deleted (C; older notation c.4757delC).
Protein change: p.Ala1586fs; shifts the reading frame from alanine 1586.
Molecular consequence: frameshift variant.
Genome position (GRCh38, 1-based): chr12:132,642,701, G deleted on the plus strand (C on the coding strand, the reverse complement: POLE is on the minus strand). VCF-style (leftmost placement, unchanged base first): chr12-132642700-AG-A. GRCh37 (hg19) VCF-style: chr12-133219286-AG-A.
Other names: short protein forms A1586fs.
Identifiers: ClinVar variation 942036 (VCV000942036.9), dbSNP rs2042176558, ClinGen allele CA1139662963.
Genomic context (GRCh38, chr12:132,642,700, plus strand): 5'-GAATTCCTCCAAGACAGGAATTTCACTGGCCAGCCTCTTCAGCTCCCAGCTGGACTGAAC[AG>A]CGATGAGTGTGGGCCCCCGGCGCTCCTCCTGGGTCAAGGCAAAATGGAAGAAAAGACCTG-3'